The following is an entry in ClinVar:

NM_000465.4(BARD1):c.1252C>G (p.Pro418Ala)

Gene: BARD1 (BRCA1 associated RING domain 1; minus strand). Cytogenetic location: 2q35.
Variant type: single nucleotide variant.
Coding change: c.1252C>G on transcript NM_000465.4 (MANE Select); coding-DNA position 1252, C replaced by G.
Protein change: p.Pro418Ala; replaces proline 418 with alanine.
Molecular consequence: missense variant. On other transcripts: non-coding transcript variant (2), intron variant (3).
Genome position (GRCh38, 1-based): chr2:214,780,622, G>C on the plus strand (C>G on the coding strand, the complement: BARD1 is on the minus strand). VCF-style: chr2-214780622-G-C. GRCh37 (hg19) VCF-style: chr2-215645346-G-C.
Other names: c.1195C>G, p.Pro399Ala (NM_001282543.2); c.159-28067C>G (NM_001282548.2); c.215+16439C>G (NM_001282545.2); c.364+11675C>G (NM_001282549.2); short protein forms P418A, P399A.
Identifiers: ClinVar variation 2585697 (VCV002585697.4), dbSNP rs2469501410, ClinGen allele CA350453546.

ClinVar aggregate classification (germline): Uncertain significance. Review status: criteria provided, multiple submitters, no conflicts (2 of 4 stars). 2 submissions from 2 submitters: Uncertain significance (2). Last evaluated 2024-03-06.

Conditions:
Hereditary cancer-predisposing syndrome. Also called: Hereditary neoplastic syndrome; Tumor predisposition; Hereditary Cancer Syndrome; Neoplastic Syndromes, Hereditary. Identifiers: Orphanet 140162, MedGen C0027672, MeSH D009386, MONDO:0015356.

Allele frequency attached by ClinVar (database versions not stated): gnomAD exomes below 0.00001.
gnomAD v4.1: 3 of 1,614,056 alleles (0.00019%); highest among the groups gnomAD compares: South Asian, 0.0033%; no homozygotes.

Submissions (2):

Color Diagnostics, LLC DBA Color Health
Classification: Uncertain significance for Hereditary cancer-predisposing syndrome. Last evaluated: 2024-03-06. Review status: criteria provided, single submitter. Criteria: ACMG Guidelines, 2015. Collection method: clinical testing. Allele origin: germline.
Comment: This missense variant replaces proline with alanine at codon 418 of the BARD1 protein. Computational prediction suggests that this variant may not impact protein structure and function (internally defined REVEL score threshold <= 0.5, PMID: 27666373). To our knowledge, functional studies have not been reported for this variant. This variant has not been reported in individuals affected with hereditary cancer in the literature. This variant has not been identified in the general population by the Genome Aggregation Database (gnomAD). The available evidence is insufficient to determine the role of this variant in disease conclusively. Therefore, this variant is classified as a Variant of Uncertain Significance.

Ambry Genetics
Classification: Uncertain significance for Hereditary cancer-predisposing syndrome. Last evaluated: 2023-06-20. Review status: criteria provided, single submitter. Criteria: Ambry Variant Classification Scheme 2023. Collection method: clinical testing. Allele origin: germline.
Comment: The p.P418A variant (also known as c.1252C>G), located in coding exon 4 of the BARD1 gene, results from a C to G substitution at nucleotide position 1252. The proline at codon 418 is replaced by alanine, an amino acid with highly similar properties. This amino acid position is well conserved in available vertebrate species. In addition, this alteration is predicted to be tolerated by in silico analysis. Since supporting evidence is limited at this time, the clinical significance of this alteration remains unclear.